The following is an entry in ClinVar:

NM_001009994.3(RIPPLY2):c.238A>T (p.Arg80Ter)

Genes: RIPPLY2-CYB5R4 (RIPPLY2-CYB5R4 readthrough; plus strand), RIPPLY2 (ripply transcriptional repressor 2; plus strand). Cytogenetic location: 6q14.2.
Variant type: single nucleotide variant.
Coding change: c.238A>T on transcript NM_001009994.3 (MANE Select); coding-DNA position 238, A replaced by T.
Protein change: p.Arg80Ter; replaces arginine 80 with a stop codon.
Molecular consequence: nonsense. On other transcripts: 5 prime UTR variant (1), non-coding transcript variant (4), missense variant (1).
Genome position (GRCh38, 1-based): chr6:83,854,160, A>T. VCF-style: chr6-83854160-A-T. GRCh37 (hg19) VCF-style: chr6-84563879-A-T.
Other names: c.-29A>T (NM_001400774.1); c.301A>T, p.Arg101Ter (NM_001400899.1); c.238A>T, p.Arg80Trp (NM_001400900.1); short protein forms R80*, R101*, R80W.
Identifiers: ClinVar variation 221271 (VCV000221271.48), dbSNP rs201419367, ClinGen allele CA351422.

ClinVar aggregate classification (germline): Conflicting classifications of pathogenicity. Review status: criteria provided, conflicting classifications (1 of 4 stars). 9 submissions from 9 submitters: Pathogenic (2); Uncertain significance (3). 4 of the submissions do not count toward it. Last evaluated 2025-11-18.

Conditions:
Spondylocostal dysostosis 6, autosomal recessive (SCDO6). Identifiers: Orphanet 2311, MedGen C4225279, MONDO:0014694, OMIM 616566.
Spondylocostal dysostosis 2, autosomal recessive (SCDO2). Also called: MESP2-Related Spondylocostal Dysostosis, Autosomal Recessive; Spondylocostal dysostosis type 2. Identifiers: Orphanet 2311, MedGen C1837549, MONDO:0012097, OMIM 608681.

Allele frequency attached by ClinVar (database versions not stated): gnomAD exomes 0.00012 and 0.00017; TOPMed 0.00019; gnomAD 0.00023 and 0.00024; ExAC 0.00012.
gnomAD v4.1: 278 of 1,613,700 alleles (0.017%); highest among the groups gnomAD compares: Non-Finnish European, 0.022%; no homozygotes.

Submissions (9):

Labcorp Genetics (formerly Invitae), Labcorp
Classification: Uncertain significance. Last evaluated: 2025-11-18. Review status: criteria provided, single submitter. Criteria: Invitae Variant Classification Sherloc (09022015). Collection method: clinical testing. Allele origin: germline.
Comment: This sequence change creates a premature translational stop signal (p.Arg80*) in the RIPPLY2 gene. While this is not anticipated to result in nonsense mediated decay, it is expected to disrupt the last 49 amino acid(s) of the RIPPLY2 protein. This variant is present in population databases (rs201419367, gnomAD 0.02%). This premature translational stop signal has been observed in individual(s) with multiple segmentation defects (PMID: 25343988, 38097876). It has also been observed to segregate with disease in related individuals. ClinVar contains an entry for this variant (Variation ID: 221271). Algorithms developed to predict the effect of sequence changes on RNA splicing suggest that this variant may create or strengthen a splice site. In summary, the available evidence is currently insufficient to determine the role of this variant in disease. Therefore, it has been classified as a Variant of Uncertain Significance.

Revvity Omics, Revvity
Classification: Uncertain significance. Last evaluated: 2024-11-25. Review status: criteria provided, single submitter. Criteria: ACMG Guidelines, 2015. Collection method: clinical testing. Allele origin: germline.

CeGaT Center for Human Genetics Tuebingen
Classification: Pathogenic. Last evaluated: 2024-10-01. Review status: criteria provided, single submitter. Criteria: CeGaT Center For Human Genetics Tuebingen Variant Classification Criteria Version 2. Collection method: clinical testing. Allele origin: germline. Affected: yes. Observed: 2 variant alleles.
Comment: RIPPLY2: PVS1:Strong, PM2, PM3, PP4, PS3:Supporting

Baylor Genetics
Classification: Pathogenic for Spondylocostal dysostosis 6, autosomal recessive. Last evaluated: 2022-12-05. Review status: criteria provided, single submitter. Criteria: ACMG Guidelines, 2015. Collection method: clinical testing. Allele origin: unknown.

Eurofins Ntd Llc (ga)
Classification: Uncertain significance. Last evaluated: 2015-12-08. Review status: criteria provided, single submitter. Criteria: EGL Classification Definitions 2015. Collection method: clinical testing. Allele origin: germline. Observed: 3 variant alleles, 3 heterozygotes.

OMIM
Classification: Pathogenic for SPONDYLOCOSTAL DYSOSTOSIS 6, AUTOSOMAL RECESSIVE. Last evaluated: 2015-03-01. Review status: no assertion criteria provided. Collection method: literature only. Allele origin: germline. Not counted in ClinVar's aggregate classification.

GeneReviews
No classification provided. Condition: Spondylocostal dysostosis 2, autosomal recessive. Review status: no classification provided. Collection method: literature only. Allele origin: germline. Not counted in ClinVar's aggregate classification.

Genome Diagnostics Laboratory, Amsterdam University Medical Center
Classification: Pathogenic. Review status: no assertion criteria provided. Collection method: clinical testing. Allele origin: germline. Affected: yes. Study: VKGL Data-share Consensus. Not counted in ClinVar's aggregate classification.

Joint Genome Diagnostic Labs from Nijmegen and Maastricht, Radboudumc and MUMC+
Classification: Pathogenic. Review status: no assertion criteria provided. Collection method: clinical testing. Allele origin: germline. Affected: yes. Study: VKGL Data-share Consensus. Not counted in ClinVar's aggregate classification.

Literature cited by the submitters: PubMed 25343988 (cited by Labcorp Genetics (formerly Invitae), Labcorp and OMIM); PubMed 38097876 (cited by Labcorp Genetics (formerly Invitae), Labcorp and OMIM); PubMed 33410135 (cited by OMIM); NCBI Bookshelf NBK8828 (cited by GeneReviews).